The following is an entry in ClinVar:

ClinVar aggregate classification (germline): Uncertain significance (1 of 4 stars; one submission).

Submission:

Labcorp Genetics (formerly Invitae), Labcorp
Classification: Uncertain significance. Last evaluated: 2022-05-06. Review status: criteria provided, single submitter. Criteria: Invitae Variant Classification Sherloc (09022015). Collection method: clinical testing. Allele origin: germline.
Comment: This variant has not been reported in the literature in individuals affected with SBF1-related conditions. This variant results in a copy number gain of the genomic region encompassing exon(s) 1-8 of the SBF1 gene. This region includes the initiator codon of the gene. This copy number gain extends beyond the assayed region for this gene and therefore may encompass additional genes. As the precise location of this event is unknown, it may be in tandem or it may be located elsewhere in the genome. In summary, the available evidence is currently insufficient to determine the role of this variant in disease. Therefore, it has been classified as a Variant of Uncertain Significance.

NC_000022.10:g.(?_50904559)_(50913269_?)dup

Gene: SBF1 (SET binding factor 1; minus strand). Cytogenetic location: 22q13.33.
Variant type: Duplication.
Identifiers: ClinVar variation 2424576 (VCV002424576.4).